The following is an entry in ClinVar:

ClinVar aggregate classification (germline): Uncertain significance (1 of 4 stars; one submission).

Submission:

Women's Health and Genetics/Laboratory Corporation of America, LabCorp
Classification: Uncertain significance. Last evaluated: 2020-10-16. Review status: criteria provided, single submitter. Criteria: LabCorp Variant Classification Summary - May 2015. Collection method: clinical testing. Allele origin: germline.
Comment: Variant summary: FRMPD4 c.182T>A (p.Phe61Tyr) results in a conservative amino acid change located in the WW domain (IPR001202) of the encoded protein sequence. Four of five in-silico tools predict a benign effect of the variant on protein function. The variant was absent in 183175 control chromosomes (gnomAD). The available data on variant occurrences in the general population are insufficient to allow any conclusion about variant significance. These data do not allow any conclusions about variant significance. To our knowledge, no experimental evidence demonstrating an impact on protein function has been reported. No clinical diagnostic laboratories have submitted clinical-significance assessments for this variant to ClinVar after 2014. Based on the evidence outlined above, the variant was classified as VUS-possibly benign.

NM_001368397.1(FRMPD4):c.182T>A (p.Phe61Tyr)

Gene: FRMPD4 (FERM and PDZ domain containing 4; plus strand). Cytogenetic location: Xp22.2.
Variant type: single nucleotide variant.
Coding change: c.182T>A on transcript NM_001368397.1 (MANE Select); coding-DNA position 182, T replaced by A.
Protein change: p.Phe61Tyr; replaces phenylalanine 61 with tyrosine.
Molecular consequence: missense variant.
Genome position (GRCh38, 1-based): chrX:12,609,744, T>A. VCF-style: chrX-12609744-T-A. GRCh37 (hg19) VCF-style: chrX-12627863-T-A.
Other names: c.182T>A, p.Phe61Tyr (NM_014728.3, NM_001368396.3); c.293T>A, p.Phe98Tyr (NM_001368395.3, NM_001368398.3); c.173T>A, p.Phe58Tyr (NM_001368399.3); c.62T>A, p.Phe21Tyr (NM_001368400.3); c.158T>A, p.Phe53Tyr (NM_001368401.1, NM_001368402.3); short protein forms F21Y, F53Y, F58Y, F61Y, F98Y.
Identifiers: ClinVar variation 932202 (VCV000932202.2), dbSNP rs2059162987, ClinGen allele CA412067932.